The following is an entry in ClinVar:

ClinVar aggregate classification (germline): Uncertain significance. Review status: criteria provided, multiple submitters, no conflicts (2 of 4 stars). 2 submissions from 2 submitters: Uncertain significance (2). Last evaluated 2023-06-13.

Conditions:
Meckel-Gruber syndrome. Also called: Dysencephalia splachnocystica; DYSENCEPHALIA SPLANCHNOCYSTICA; GRUBER SYNDROME. Identifiers: Orphanet 564, MedGen C0265215, MONDO:0018921.
Joubert syndrome. Also called: Familial aplasia of the vermis; JOUBERT-BOLTSHAUSER SYNDROME. Identifiers: Orphanet 475, MedGen C5979921, MONDO:0018772.

Submissions (2):

Labcorp Genetics (formerly Invitae), Labcorp
Classification: Uncertain significance for Joubert syndrome; Meckel-Gruber syndrome. Last evaluated: 2023-06-13. Review status: criteria provided, single submitter. Criteria: Invitae Variant Classification Sherloc (09022015). Collection method: clinical testing. Allele origin: germline.
Comment: In summary, the available evidence is currently insufficient to determine the role of this variant in disease. Therefore, it has been classified as a Variant of Uncertain Significance. An algorithm developed to predict the effect of missense changes on protein structure and function (PolyPhen-2) suggests that this variant is likely to be disruptive. ClinVar contains an entry for this variant (Variation ID: 1470719). This variant has not been reported in the literature in individuals affected with TCTN1-related conditions. This variant is present in population databases (no rsID available, gnomAD 0.002%). This sequence change replaces phenylalanine, which is neutral and non-polar, with asparagine, which is neutral and polar, at codon 587 of the TCTN1 protein (p.Phe587Asn).

Blueprint Genetics
Classification: Uncertain significance. Last evaluated: 2021-02-24. Review status: criteria provided, single submitter. Criteria: ACMG Guidelines, 2015. Collection method: clinical testing. Allele origin: germline.

NM_001082538.3(TCTN1):c.1759_1760inv (p.Phe587Asn)

Gene: TCTN1 (tectonic family member 1; plus strand). Cytogenetic location: 12q24.11.
Variant type: Inversion.
Coding change: c.1759_1760inv on transcript NM_001082538.3 (MANE Select).
Protein change: p.Phe587Asn; replaces phenylalanine 587 with asparagine.
Molecular consequence: missense variant. On other transcripts: non-coding transcript variant (1).
Genome position: GRCh38 VCF-style: chr12-110647872-TT-AA. GRCh37 (hg19) VCF-style: chr12-111085677-TT-AA.
Other names: c.1744_1745inv, p.Phe582Asn (NM_001082537.3); c.1576_1577inv, p.Phe526Asn (NM_001173975.3); c.1432_1433inv, p.Phe478Asn (NM_001173976.2); c.1597_1598inv, p.Phe533Asn (NM_001319680.2); c.1210_1211inv, p.Phe404Asn (NM_001319681.2); c.1702_1703inv, p.Phe568Asn (NM_024549.6); short protein forms F568N, F582N, F404N, F478N, F526N, F533N, F587N.
Identifiers: ClinVar variation 1470719 (VCV001470719.5), ClinGen allele CA2573148038.